The following is an entry in ClinVar:

NM_178172.6(GPIHBP1):c.17C>A (p.Ala6Asp)

Gene: GPIHBP1 (glycosylphosphatidylinositol anchored high density lipoprotein binding protein 1; plus strand). Cytogenetic location: 8q24.3.
Variant type: single nucleotide variant.
Coding change: c.17C>A on transcript NM_178172.6 (MANE Select); coding-DNA position 17, C replaced by A.
Protein change: p.Ala6Asp; replaces alanine 6 with aspartic acid.
Molecular consequence: missense variant.
Genome position (GRCh38, 1-based): chr8:143,213,284, C>A. VCF-style: chr8-143213284-C-A. GRCh37 (hg19) VCF-style: chr8-144295159-C-A.
Other names: c.17C>A, p.Ala6Asp (NM_001301772.2); short protein forms A6D.
Identifiers: ClinVar variation 4751044 (VCV004751044.1).
Genomic context (GRCh38, chr8:143,213,284, plus strand): 5'-CTGCGGGAGGACTCAGAGTCAGGGACACAGCAGCGTCCGGCGAGATGAAGGCGCTCGGGG[C>A]TGTCCTGCTTGCCCTCTTGCTGTTCGGGCGGCCAGGTGCGGGGCAAAGGGTAACCCTGCG-3'
Protein context (NP_835466.2, residues 1-16): MKALG[Ala6Asp]VLLALLLFGR

ClinVar aggregate classification (germline): Uncertain significance (1 of 4 stars; one submission).

Submission:

Labcorp Genetics (formerly Invitae), Labcorp
Classification: Uncertain significance. Last evaluated: 2025-12-17. Review status: criteria provided, single submitter. Criteria: Invitae Variant Classification Sherloc (09022015). Collection method: clinical testing. Allele origin: germline.
Comment: This sequence change replaces alanine, which is neutral and non-polar, with aspartic acid, which is acidic and polar, at codon 6 of the GPIHBP1 protein (p.Ala6Asp). This variant is not present in population databases (gnomAD no frequency). This missense change has been observed in individual(s) with chylomicronemia (PMID: 29748148). An algorithm developed to predict the effect of missense changes on protein structure and function (PolyPhen-2) suggests that this variant is likely to be disruptive. In summary, the available evidence is currently insufficient to determine the role of this variant in disease. Therefore, it has been classified as a Variant of Uncertain Significance.

Literature cited by the submitters: PubMed 29748148.